The following is an entry in ClinVar:

NM_139076.3(ABRAXAS1):c.769A>G (p.Arg257Gly)

Gene: ABRAXAS1 (abraxas 1, BRCA1 A complex subunit; minus strand). Cytogenetic location: 4q21.23.
Variant type: single nucleotide variant.
Coding change: c.769A>G on transcript NM_139076.3 (MANE Select); coding-DNA position 769, A replaced by G.
Protein change: p.Arg257Gly; replaces arginine 257 with glycine.
Molecular consequence: missense variant.
Genome position (GRCh38, 1-based): chr4:83,463,521, T>C on the plus strand (A>G on the coding strand, the complement: ABRAXAS1 is on the minus strand). VCF-style: chr4-83463521-T-C. GRCh37 (hg19) VCF-style: chr4-84384674-T-C.
Other names: c.442A>G, p.Arg148Gly (NM_001345962.2); short protein forms R148G, R257G.
Identifiers: ClinVar variation 1799914 (VCV001799914.2), dbSNP rs200414461, ClinGen allele CA100679061.

ClinVar aggregate classification (germline): Uncertain significance (1 of 4 stars; one submission).

Submission:

Ambry Genetics
Classification: Uncertain significance. Last evaluated: 2021-06-13. Review status: criteria provided, single submitter. Criteria: Ambry Variant Classification Scheme 2023. Collection method: clinical testing. Allele origin: germline.
Comment: The p.R257G variant (also known as c.769A>G), located in coding exon 8 of the FAM175A gene, results from an A to G substitution at nucleotide position 769. The arginine at codon 257 is replaced by glycine, an amino acid with dissimilar properties. This amino acid position is conserved. In addition, this alteration is predicted to be tolerated by in silico analysis. Since supporting evidence is limited at this time, the clinical significance of this alteration remains unclear.